The following is an entry in ClinVar:

ClinVar aggregate classification (germline): Uncertain significance (1 of 4 stars; one submission).

Conditions:
Hereditary breast ovarian cancer syndrome. Also called: Breast and ovarian cancer; Hereditary breast and ovarian cancer syndrome; Hereditary breast and ovarian cancer syndrome (HBOC); BRCA1- and BRCA2-Associated Hereditary Breast and Ovarian Cancer; Hereditary breast and/or ovarian cancer syndrome; Hereditary breast and ovarian cancer. Identifiers: Orphanet 145, MedGen C0677776, MeSH D061325, MONDO:0003582. Disease mechanism: loss of function.

Submission:

Labcorp Genetics (formerly Invitae), Labcorp
Classification: Uncertain significance for Hereditary breast ovarian cancer syndrome. Last evaluated: 2025-07-09. Review status: criteria provided, single submitter. Criteria: Invitae Variant Classification Sherloc (09022015). Collection method: clinical testing. Allele origin: germline.
Comment: This sequence change replaces isoleucine, which is neutral and non-polar, with asparagine, which is neutral and polar, at codon 2615 of the BRCA2 protein (p.Ile2615Asn). This variant is not present in population databases (gnomAD no frequency). This variant has not been reported in the literature in individuals affected with BRCA2-related conditions. Invitae Evidence Modeling of protein sequence and biophysical properties (such as structural, functional, and spatial information, amino acid conservation, physicochemical variation, residue mobility, and thermodynamic stability) has been performed for this missense variant. However, the output from this modeling did not meet the statistical confidence thresholds required to predict the impact of this variant on BRCA2 protein function. In summary, the available evidence is currently insufficient to determine the role of this variant in disease. Therefore, it has been classified as a Variant of Uncertain Significance.

NM_000059.4(BRCA2):c.7844T>A (p.Ile2615Asn)

Gene: BRCA2 (BRCA2 DNA repair associated; plus strand). Cytogenetic location: 13q13.1.
Variant type: single nucleotide variant.
Coding change: c.7844T>A on transcript NM_000059.4 (MANE Select); coding-DNA position 7844, T replaced by A.
Protein change: p.Ile2615Asn; replaces isoleucine 2615 with asparagine.
Molecular consequence: missense variant. On other transcripts: non-coding transcript variant (1).
Genome position (GRCh38, 1-based): chr13:32,362,561, T>A. VCF-style: chr13-32362561-T-A. GRCh37 (hg19) VCF-style: chr13-32936698-T-A.
Other names: c.7748T>A, p.Ile2583Asn (NM_001406719.1); c.7844T>A, p.Ile2615Asn (NM_001406720.1, NM_001432077.1); c.2912T>A, p.Ile971Asn (NM_001406721.1); c.1427T>A, p.Ile476Asn (NM_001406722.1); short protein forms I2615N, I476N, I2583N, I971N.
Identifiers: ClinVar variation 4772418 (VCV004772418.1).